The following is an entry in ClinVar:

NM_001942.4(DSG1):c.3043A>G (p.Met1015Val)

Genes: DSG1 (desmoglein 1; plus strand), DSG1-AS1 (DSG1 antisense RNA 1; minus strand). Cytogenetic location: 18q12.1.
Variant type: single nucleotide variant.
Coding change: c.3043A>G on transcript NM_001942.4 (MANE Select); coding-DNA position 3043, A replaced by G.
Protein change: p.Met1015Val; replaces methionine 1015 with valine.
Molecular consequence: missense variant.
Genome position (GRCh38, 1-based): chr18:31,355,239, A>G. VCF-style: chr18-31355239-A-G. GRCh37 (hg19) VCF-style: chr18-28935202-A-G.
Other names: short protein forms M1015V.
Identifiers: ClinVar variation 1420274 (VCV001420274.6), dbSNP rs142691859, ClinGen allele CA8926506.

ClinVar aggregate classification (germline): Uncertain significance (1 of 4 stars; one submission).

Allele frequency attached by ClinVar (database versions not stated): ESP Exome Variant Server 0.00031.

Submission:

Labcorp Genetics (formerly Invitae), Labcorp
Classification: Uncertain significance. Last evaluated: 2025-12-11. Review status: criteria provided, single submitter. Criteria: Invitae Variant Classification Sherloc (09022015). Collection method: clinical testing. Allele origin: germline.
Comment: This sequence change replaces methionine, which is neutral and non-polar, with valine, which is neutral and non-polar, at codon 1015 of the DSG1 protein (p.Met1015Val). This variant is present in population databases (rs142691859, gnomAD 0.07%). This variant has not been reported in the literature in individuals affected with DSG1-related conditions. ClinVar contains an entry for this variant (Variation ID: 1420274). An algorithm developed to predict the effect of missense changes on protein structure and function outputs the following: PolyPhen-2: "Benign". The valine amino acid residue is found in multiple mammalian species, which suggests that this missense change does not adversely affect protein function. In summary, the available evidence is currently insufficient to determine the role of this variant in disease. Therefore, it has been classified as a Variant of Uncertain Significance.